The following is an entry in ClinVar:

ClinVar aggregate classification (germline): Benign/Likely benign. Review status: criteria provided, multiple submitters, no conflicts (2 of 4 stars). 3 submissions from 3 submitters: Benign (1); Likely benign (1). 1 of the submissions does not count toward it. Last evaluated 2025-08-14.

Conditions:
MYO5B-related disorder. Also called: MYO5B-related condition.

Allele frequency attached by ClinVar (database versions not stated): TOPMed 0.00007; ESP Exome Variant Server 0.00008; ExAC 0.00012; gnomAD 0.00025 and 0.00028; gnomAD exomes 0.00026.
gnomAD v4.1: 256 of 1,614,036 alleles (0.016%); highest among the groups gnomAD compares: Non-Finnish European, 0.0085%; no homozygotes.

Submissions (3):

Labcorp Genetics (formerly Invitae), Labcorp
Classification: Benign. Last evaluated: 2025-08-14. Review status: criteria provided, single submitter. Criteria: Invitae Variant Classification Sherloc (09022015). Collection method: clinical testing. Allele origin: germline.

Blueprint Genetics
Classification: Likely benign. Last evaluated: 2024-09-19. Review status: criteria provided, single submitter. Criteria: ACMG Guidelines, 2015. Collection method: clinical testing. Allele origin: germline.

PreventionGenetics, part of Exact Sciences
Classification: Likely benign for MYO5B-related condition. Last evaluated: 2021-11-08. Review status: no assertion criteria provided. Collection method: clinical testing. Allele origin: germline. Not counted in ClinVar's aggregate classification.
Comment: This variant is classified as likely benign based on ACMG/AMP sequence variant interpretation guidelines (Richards et al. 2015 PMID: 25741868, with internal and published modifications).

NM_001080467.3(MYO5B):c.5184T>A (p.Leu1728=)

Genes: MYO5B (myosin VB; minus strand), SNHG22 (small nucleolar RNA host gene 22; plus strand). Cytogenetic location: 18q21.1.
Variant type: single nucleotide variant.
Coding change: c.5184T>A on transcript NM_001080467.3 (MANE Select); coding-DNA position 5184, T replaced by A.
Protein change: p.Leu1728=; no amino-acid change (leucine 1728 retained).
Molecular consequence: synonymous variant.
Genome position (GRCh38, 1-based): chr18:49,836,840, A>T on the plus strand (T>A on the coding strand, the complement: MYO5B is on the minus strand). VCF-style: chr18-49836840-A-T. GRCh37 (hg19) VCF-style: chr18-47363210-A-T.
Other names: c.5184T>A (NM_001080467.2).
Identifiers: ClinVar variation 1601151 (VCV001601151.11), dbSNP rs202159941, ClinGen allele CA8960121.